The following is an entry in ClinVar:

ClinVar aggregate classification (germline): Uncertain significance (0 of 4 stars; one submission).

Conditions:
NTN1-related disorder. Also called: NTN1-related condition.

Submission:

PreventionGenetics, part of Exact Sciences
Classification: Uncertain significance for NTN1-related condition. Last evaluated: 2024-05-14. Review status: no assertion criteria provided. Collection method: clinical testing. Allele origin: germline.
Comment: The NTN1 c.368_394dup27 variant is predicted to result in an in-frame duplication (p.Glu123_Asn131dup). To our knowledge, this variant has not been reported in the literature or in a large population database, indicating this variant is rare. At this time, the clinical significance of this variant is uncertain due to the absence of conclusive functional and genetic evidence.

NM_004822.3(NTN1):c.368_394dup (p.Asn131_Val132insGluAsnTyrLeuGlnPheProHisAsn)

Gene: NTN1 (netrin 1; plus strand). Cytogenetic location: 17p13.1.
Variant type: Duplication.
Coding change: c.368_394dup on transcript NM_004822.3 (MANE Select); coding-DNA positions 368 to 394, 27 bases duplicated (AGAACTACCTGCAGTTCCCGCACAACG).
Protein change: p.Asn131_Val132insGluAsnTyrLeuGlnPheProHisAsn.
Molecular consequence: inframe insertion.
Genome position (GRCh38, 1-based): chr17:9,022,741-9,022,767, AGAACTACCTGCAGTTCCCGCACAACG duplicated; duplicating any 27 consecutive bases within chr17:9,022,739-9,022,767 gives the same sequence; the c. name uses the placement nearest the transcript's 3' end. VCF-style (leftmost placement, unchanged base first): chr17-9022738-C-CCGAGAACTACCTGCAGTTCCCGCACAA. GRCh37 (hg19) VCF-style: chr17-8926055-C-CCGAGAACTACCTGCAGTTCCCGCACAA.
Identifiers: ClinVar variation 3347574 (VCV003347574.1).
Genomic context (GRCh38, chr17:9,022,738, plus strand): 5'-CGCACCCGCCCGCCTTCCTCACCGACCTCAACAACCCGCACAACCTGACGTGCTGGCAGT[C>CCGAGAACTACCTGCAGTTCCCGCACAA]CGAGAACTACCTGCAGTTCCCGCACAACGTCACGCTCACACTGTCCCTCGGCAAGAAGTT-3'